The following is an entry in ClinVar:

ClinVar aggregate classification (germline): Pathogenic (1 of 4 stars; one submission).

Conditions:
Alstrom syndrome (ALMS). Identifiers: Orphanet 64, MedGen C0268425, MONDO:0008763, OMIM 203800.

Submission:

Labcorp Genetics (formerly Invitae), Labcorp
Classification: Pathogenic for Alstrom syndrome. Last evaluated: 2025-03-15. Review status: criteria provided, single submitter. Criteria: Invitae Variant Classification Sherloc (09022015). Collection method: clinical testing. Allele origin: germline.
Comment: This sequence change creates a premature translational stop signal (p.Arg2160Lysfs*5) in the ALMS1 gene. It is expected to result in an absent or disrupted protein product. Loss-of-function variants in ALMS1 are known to be pathogenic (PMID: 17594715). This variant is not present in population databases (gnomAD no frequency). This variant has not been reported in the literature in individuals affected with ALMS1-related conditions. For these reasons, this variant has been classified as Pathogenic.

Literature cited by the submitters: PubMed 17594715.

NM_001378454.1(ALMS1):c.6475dup (p.Arg2159fs)

Gene: ALMS1 (ALMS1 centrosome and basal body associated protein; plus strand). Cytogenetic location: 2p13.1.
Variant type: Duplication.
Coding change: c.6475dup on transcript NM_001378454.1 (MANE Select); coding-DNA position 6475, one base duplicated (A; older notation c.6475dupA).
Protein change: p.Arg2159fs; shifts the reading frame from arginine 2159.
Molecular consequence: frameshift variant.
Genome position (GRCh38, 1-based): chr2:73,453,002, A duplicated. VCF-style (leftmost placement, unchanged base first): chr2-73453001-T-TA. GRCh37 (hg19) VCF-style: chr2-73680128-T-TA.
Other names: c.6478dup, p.Arg2160fs (NM_015120.4); short protein forms R2159fs, R2160fs.
Identifiers: ClinVar variation 3711324 (VCV003711324.2).
Genomic context (GRCh38, chr2:73,453,001, plus strand): 5'-TCCTAGTTCCTTTTCACATCGAGAGAAACCAGATATTTTCTATCAAAAGGATTTGCCAGA[T>TA]AGACATCTAACTGAAGATGCTCTAAAGATCTCAAGTGCTCTTGGGCAAGCTGATCAAATT-3'